The following is an entry in ClinVar:

ClinVar aggregate classification (germline): Uncertain significance (1 of 4 stars; one submission).

gnomAD v4.1: 2 of 1,613,908 alleles (0.00012%); highest among the groups gnomAD compares: African/African-American, 0.0013%; no homozygotes.

Submission:

Mayo Clinic Laboratories, Mayo Clinic
Classification: Uncertain significance. Last evaluated: 2025-07-01. Review status: criteria provided, single submitter. Criteria: ACMG Guidelines, 2015. Collection method: clinical testing. Allele origin: germline. Observed: 1 variant allele.
Comment: PP3_moderate

NM_000181.4(GUSB):c.247T>C (p.Phe83Leu)

Gene: GUSB (glucuronidase beta; minus strand). Cytogenetic location: 7q11.21.
Variant type: single nucleotide variant.
Coding change: c.247T>C on transcript NM_000181.4 (MANE Select); coding-DNA position 247, T replaced by C.
Protein change: p.Phe83Leu; replaces phenylalanine 83 with leucine.
Molecular consequence: missense variant. On other transcripts: 5 prime UTR variant (2), non-coding transcript variant (1).
Genome position (GRCh38, 1-based): chr7:65,980,373, A>G on the plus strand (T>C on the coding strand, the complement: GUSB is on the minus strand). VCF-style: chr7-65980373-A-G. GRCh37 (hg19) VCF-style: chr7-65445360-A-G.
Other names: p.Phe83Leu; c.247T>C, p.Phe83Leu (NM_001284290.2); c.-139T>C (NM_001293104.2); c.-83T>C (NM_001293105.2); short protein forms F83L.
Identifiers: ClinVar variation 4541292 (VCV004541292.1).